The following is an entry in ClinVar:

ClinVar aggregate classification (germline): Likely benign. Review status: criteria provided, single submitter (1 of 4 stars). 2 submissions from 2 submitters: Likely benign (1). 1 of the submissions does not count toward it. Last evaluated 2023-08-19.

Conditions:
FAN1-related disorder. Also called: FAN1-related condition.

Allele frequency attached by ClinVar (database versions not stated): ExAC 0.00001; gnomAD exomes 0.00001; TOPMed 0.00008; gnomAD 0.00014.
gnomAD v4.1: 30 of 1,613,636 alleles (0.0019%); highest among the groups gnomAD compares: African/African-American, 0.036%; no homozygotes.

Submissions (2):

Labcorp Genetics (formerly Invitae), Labcorp
Classification: Likely benign. Last evaluated: 2023-08-19. Review status: criteria provided, single submitter. Criteria: Invitae Variant Classification Sherloc (09022015). Collection method: clinical testing. Allele origin: germline.

PreventionGenetics, part of Exact Sciences
Classification: Likely benign for FAN1-related condition. Last evaluated: 2019-02-21. Review status: no assertion criteria provided. Collection method: clinical testing. Allele origin: germline. Not counted in ClinVar's aggregate classification.
Comment: This variant is classified as likely benign based on ACMG/AMP sequence variant interpretation guidelines (Richards et al. 2015 PMID: 25741868, with internal and published modifications).

NM_014967.5(FAN1):c.2577C>T (p.Phe859=)

Genes: FAN1 (FANCD2 and FANCI associated nuclease 1; plus strand), MTMR10 (myotubularin related protein 10; minus strand). Cytogenetic location: 15q13.3.
Variant type: single nucleotide variant.
Coding change: c.2577C>T on transcript NM_014967.5 (MANE Select); coding-DNA position 2577, C replaced by T.
Protein change: p.Phe859=; no amino-acid change (phenylalanine 859 retained).
Molecular consequence: synonymous variant.
Genome position (GRCh38, 1-based): chr15:30,928,641, C>T. VCF-style: chr15-30928641-C-T. GRCh37 (hg19) VCF-style: chr15-31220844-C-T.
Other names: c.2577C>T (NM_014967.4).
Identifiers: ClinVar variation 2788142 (VCV002788142.5), dbSNP rs746985218, ClinGen allele CA7450689.